The following is an entry in ClinVar:

NM_003803.4(MYOM1):c.2750A>T (p.Gln917Leu)

Gene: MYOM1 (myomesin 1; minus strand). Cytogenetic location: 18p11.31.
Variant type: single nucleotide variant.
Coding change: c.2750A>T on transcript NM_003803.4 (MANE Select); coding-DNA position 2750, A replaced by T.
Protein change: p.Gln917Leu; replaces glutamine 917 with leucine.
Molecular consequence: missense variant. On other transcripts: intron variant (1).
Genome position (GRCh38, 1-based): chr18:3,129,276, T>A on the plus strand (A>T on the coding strand, the complement: MYOM1 is on the minus strand). VCF-style: chr18-3129276-T-A. GRCh37 (hg19) VCF-style: chr18-3129274-T-A.
Other names: c.2506+2099A>T (NM_019856.2); short protein forms Q917L.
Identifiers: ClinVar variation 4841425 (VCV004841425.1).

ClinVar aggregate classification (germline): Uncertain significance (1 of 4 stars; one submission).

gnomAD v4.1: 2 of 1,613,892 alleles (0.00012%); highest among the groups gnomAD compares: Admixed American, 0.0033%; no homozygotes.

Submission:

Ambry Genetics
Classification: Uncertain significance. Last evaluated: 2025-12-16. Review status: criteria provided, single submitter. Criteria: Ambry Variant Classification Scheme 2023. Collection method: clinical testing. Allele origin: germline.
Comment: The p.Q917L variant (also known as c.2750A>T), located in coding exon 17 of the MYOM1 gene, results from an A to T substitution at nucleotide position 2750. The glutamine at codon 917 is replaced by leucine, an amino acid with dissimilar properties. This amino acid position is conserved. In addition, this alteration is predicted to be tolerated by in silico analysis. Based on the available evidence, the clinical significance of this variant remains unclear.